The following is an entry in ClinVar:

ClinVar aggregate classification (germline): Likely benign. Review status: criteria provided, multiple submitters, no conflicts (2 of 4 stars). 3 submissions from 3 submitters: Likely benign (3). Last evaluated 2024-09-12.

Conditions:
Hereditary cancer-predisposing syndrome. Also called: Hereditary neoplastic syndrome; Hereditary Cancer Syndrome; Neoplastic Syndromes, Hereditary; Tumor predisposition. Identifiers: Orphanet 140162, MedGen C0027672, MeSH D009386, MONDO:0015356.

Allele frequency attached by ClinVar (database versions not stated): gnomAD exomes below 0.00001; ExAC 0.00001; gnomAD 0.00001; TOPMed 0.00001.
gnomAD v4.1: 6 of 1,613,684 alleles (0.00037%); highest among the groups gnomAD compares: Non-Finnish European, 0.00042%; no homozygotes.

Submissions (3):

Labcorp Genetics (formerly Invitae), Labcorp
Classification: Likely benign. Last evaluated: 2024-09-12. Review status: criteria provided, single submitter. Criteria: Invitae Variant Classification Sherloc (09022015). Collection method: clinical testing. Allele origin: germline.

Ambry Genetics
Classification: Likely benign for Hereditary cancer-predisposing syndrome. Last evaluated: 2021-09-22. Review status: criteria provided, single submitter. Criteria: Ambry Variant Classification Scheme 2023. Collection method: clinical testing. Allele origin: germline.

GeneDx
Classification: Likely benign. Last evaluated: 2017-05-24. Review status: criteria provided, single submitter. Criteria: GeneDx Variant Classification (06012015). Collection method: clinical testing. Allele origin: germline. Affected: yes.
Comment: This variant is considered likely benign or benign based on one or more of the following criteria: it is a conservative change, it occurs at a poorly conserved position in the protein, it is predicted to be benign by multiple in silico algorithms, and/or has population frequency not consistent with disease.

NM_006231.4(POLE):c.5520A>G (p.Thr1840=)

Gene: POLE (DNA polymerase epsilon, catalytic subunit; minus strand). Cytogenetic location: 12q24.33.
Variant type: single nucleotide variant.
Coding change: c.5520A>G on transcript NM_006231.4 (MANE Select); coding-DNA position 5520, A replaced by G.
Protein change: p.Thr1840=; no amino-acid change (threonine 1840 retained).
Molecular consequence: synonymous variant.
Genome position (GRCh38, 1-based): chr12:132,639,157, T>C on the plus strand (A>G on the coding strand, the complement: POLE is on the minus strand). VCF-style: chr12-132639157-T-C. GRCh37 (hg19) VCF-style: chr12-133215743-T-C.
Identifiers: ClinVar variation 509851 (VCV000509851.11), dbSNP rs778744958, ClinGen allele CA6892503.